The following is an entry in ClinVar:

ClinVar aggregate classification (germline): Pathogenic. Review status: reviewed by expert panel (3 of 4 stars). 4 submissions from 4 submitters: Pathogenic (1). 3 of the submissions do not count toward it. Last evaluated 2017-12-15.

Conditions:
Breast-ovarian cancer, familial, susceptibility to, 2 (BROVCA2). Also called: BRCA2 Hereditary Breast and Ovarian Cancer. Identifiers: Orphanet 145, MedGen C2675520, MONDO:0012933, OMIM 612555. Disease mechanism: loss of function.
Hereditary breast ovarian cancer syndrome. Also called: Hereditary breast and ovarian cancer syndrome; BRCA1- and BRCA2-Associated Hereditary Breast and Ovarian Cancer; Hereditary breast and/or ovarian cancer syndrome; Hereditary breast and ovarian cancer; Breast and ovarian cancer; Hereditary breast and ovarian cancer syndrome (HBOC). Identifiers: Orphanet 145, MedGen C0677776, MeSH D061325, MONDO:0003582. Disease mechanism: loss of function.

Submissions (4):

Evidence-based Network for the Interpretation of Germline Mutant Alleles (ENIGMA)
Classification: Pathogenic for Breast-ovarian cancer, familial, susceptibility to, 2. Last evaluated: 2017-12-15. Review status: reviewed by expert panel. Criteria: ENIGMA BRCA1/2 Classification Criteria (2017-06-29). Collection method: curation. Allele origin: germline. Study: ENIGMA.
Comment: Variant allele predicted to encode a truncated non-functional protein.

Labcorp Genetics (formerly Invitae), Labcorp
Classification: Pathogenic for Hereditary breast ovarian cancer syndrome. Last evaluated: 2021-04-10. Review status: criteria provided, single submitter. Criteria: Invitae Variant Classification Sherloc (09022015). Collection method: clinical testing. Allele origin: germline. Not counted in ClinVar's aggregate classification.
Comment: This variant has not been reported in the literature in individuals with BRCA2-related conditions. ClinVar contains an entry for this variant (Variation ID: 419801). For these reasons, this variant has been classified as Pathogenic. This variant is not present in population databases (ExAC no frequency). This sequence change creates a premature translational stop signal (p.Leu117Serfs*6) in the BRCA2 gene. It is expected to result in an absent or disrupted protein product. Loss-of-function variants in BRCA2 are known to be pathogenic (PMID: 20104584).

GeneDx
Classification: Pathogenic. Last evaluated: 2015-09-03. Review status: criteria provided, single submitter. Criteria: GeneDx Variant Classification (06012015). Collection method: clinical testing. Allele origin: germline. Affected: yes. Not counted in ClinVar's aggregate classification.
Comment: This deletion of 2 nucleotides in BRCA2 is denoted c.349_350delCT at the cDNA level and p.Leu117SerfsX6 (L117SfsX6) at the protein level. The normal sequence, with the bases that are deleted in braces, is AAGT[CT]TCGC. The deletion causes a frameshift, which changes a Leucine to a Serine at codon 117, and creates a premature stop codon at position 6 of the new reading frame. Although this variant has not, to our knowledge, been reported in the literature, it is predicted to cause loss of normal protein function through either protein truncation or nonsense-mediated mRNA decay. we consider this variant to be pathogenic.

Zotz-Klimas Genetics Lab, MVZ Zotz Klimas
Classification: Pathogenic for Breast-ovarian cancer, familial, susceptibility to, 2. Last evaluated: 2023-10-30. Review status: no assertion criteria provided. Collection method: clinical testing. Allele origin: germline. Affected: yes. Not counted in ClinVar's aggregate classification.

Literature cited by the submitters: PubMed 20104584 (cited by Labcorp Genetics (formerly Invitae), Labcorp).

NM_000059.4(BRCA2):c.349_350del (p.Leu117fs)

Gene: BRCA2 (BRCA2 DNA repair associated; plus strand). Cytogenetic location: 13q13.1.
Variant type: Deletion.
Coding change: c.349_350del on transcript NM_000059.4 (MANE Select); coding-DNA positions 349 to 350, 2 bases deleted (CT; older notation c.349_350delCT).
Protein change: p.Leu117fs; shifts the reading frame from leucine 117.
Molecular consequence: frameshift variant.
Genome position (GRCh38, 1-based): chr13:32,325,108-32,325,109, CT deleted; deleting any 2 consecutive bases within chr13:32,325,107-32,325,109 gives the same sequence; the c. name uses the placement nearest the transcript's 3' end. VCF-style (leftmost placement, unchanged base first): chr13-32325106-GTC-G. GRCh37 (hg19) VCF-style: chr13-32899243-GTC-G.
Other names: c.349_350delCT (NM_000059.3, NM_000059.4); short protein forms L117fs.
Identifiers: ClinVar variation 419801 (VCV000419801.9), dbSNP rs1064794115, ClinGen allele CA16619642.